The following is an entry in ClinVar:

ClinVar aggregate classification (germline): Likely pathogenic (1 of 4 stars; one submission).

Allele frequency attached by ClinVar (database versions not stated): gnomAD exomes 0.00001; gnomAD 0.00002; TOPMed 0.00008.
gnomAD v4.1: 4 of 1,573,688 alleles (0.00025%); highest among the groups gnomAD compares: Admixed American, 0.0074%; no homozygotes.

Submission:

Labcorp Genetics (formerly Invitae), Labcorp
Classification: Likely pathogenic. Last evaluated: 2024-10-16. Review status: criteria provided, single submitter. Criteria: Invitae Variant Classification Sherloc (09022015). Collection method: clinical testing. Allele origin: germline.
Comment: This sequence change affects an acceptor splice site in intron 40 of the MPDZ gene. It is expected to disrupt RNA splicing. Variants that disrupt the donor or acceptor splice site typically lead to a loss of protein function (PMID: 16199547), and loss-of-function variants in MPDZ are known to be pathogenic (PMID: 23240096, 28556411). This variant is present in population databases (no rsID available, gnomAD 0.004%). This variant has not been reported in the literature in individuals affected with MPDZ-related conditions. ClinVar contains an entry for this variant (Variation ID: 1508119). Algorithms developed to predict the effect of sequence changes on RNA splicing suggest that this variant may disrupt the consensus splice site. In summary, the currently available evidence indicates that the variant is pathogenic, but additional data are needed to prove that conclusively. Therefore, this variant has been classified as Likely Pathogenic.

Literature cited by the submitters: PubMed 16199547; PubMed 23240096; PubMed 28556411.

NM_001378778.1(MPDZ):c.5558-2A>C

Gene: MPDZ (multiple PDZ domain crumbs cell polarity complex component; minus strand). Cytogenetic location: 9p23.
Variant type: single nucleotide variant.
Coding change: c.5558-2A>C on transcript NM_001378778.1 (MANE Select); the canonical splice acceptor site of the intron before coding-DNA position 5558, A replaced by C.
Molecular consequence: splice acceptor variant.
Genome position (GRCh38, 1-based): chr9:13,113,056, T>G on the plus strand (A>C on the coding strand, the complement: MPDZ is on the minus strand). VCF-style: chr9-13113056-T-G. GRCh37 (hg19) VCF-style: chr9-13113055-T-G.
Other names: c.5261-2A>C (NM_001375425.1, NM_001375426.1); c.5348-2A>C (NM_001375420.1, NM_001375423.1, NM_001375424.1 and 2 more transcripts); c.5372-2A>C (NM_001375419.1, NM_001261407.2); c.5459-2A>C (NM_001375416.1, NM_001375418.1, NM_001261406.2 and 1 more transcripts); c.5558-2A>C (NM_001330637.2); c.5150-2A>C (NM_001375427.1); c.5471-2A>C (NM_003829.5); c.5657-2A>C (NM_001375413.1).
Identifiers: ClinVar variation 1508119 (VCV001508119.6), dbSNP rs1301915378, ClinGen allele CA372941858.